The following is an entry in ClinVar:

ClinVar aggregate classification (germline): Uncertain significance. Review status: criteria provided, multiple submitters, no conflicts (2 of 4 stars). 3 submissions from 3 submitters: Uncertain significance (3). Last evaluated 2025-02-22.

Conditions:
Hereditary cancer-predisposing syndrome. Also called: Tumor predisposition; Neoplastic Syndromes, Hereditary; Hereditary neoplastic syndrome; Hereditary Cancer Syndrome. Identifiers: Orphanet 140162, MedGen C0027672, MeSH D009386, MONDO:0015356.

Allele frequency attached by ClinVar (database versions not stated): gnomAD exomes below 0.00001; TOPMed below 0.00001.

Submissions (3):

Ambry Genetics
Classification: Uncertain significance. Last evaluated: 2025-02-22. Review status: criteria provided, single submitter. Criteria: Ambry Variant Classification Scheme 2023. Collection method: clinical testing. Allele origin: germline.
Comment: The p.C447R variant (also known as c.1339T>C), located in coding exon 10 of the RECQL gene, results from a T to C substitution at nucleotide position 1339. The cysteine at codon 447 is replaced by arginine, an amino acid with highly dissimilar properties. This amino acid position is conserved. In addition, this alteration is predicted to be deleterious by in silico analysis. Based on the available evidence, the clinical significance of this variant remains unclear.

Labcorp Genetics (formerly Invitae), Labcorp
Classification: Uncertain significance. Last evaluated: 2022-11-29. Review status: criteria provided, single submitter. Criteria: Invitae Variant Classification Sherloc (09022015). Collection method: clinical testing. Allele origin: germline.
Comment: Advanced modeling of protein sequence and biophysical properties (such as structural, functional, and spatial information, amino acid conservation, physicochemical variation, residue mobility, and thermodynamic stability) performed at Invitae indicates that this missense variant is expected to disrupt RECQL protein function. ClinVar contains an entry for this variant (Variation ID: 584808). This variant has not been reported in the literature in individuals affected with RECQL-related conditions. This variant is not present in population databases (gnomAD no frequency). This sequence change replaces cysteine, which is neutral and slightly polar, with arginine, which is basic and polar, at codon 447 of the RECQL protein (p.Cys447Arg). In summary, the available evidence is currently insufficient to determine the role of this variant in disease. Therefore, it has been classified as a Variant of Uncertain Significance.

Mendelics
Classification: Uncertain significance for Hereditary cancer-predisposing syndrome. Last evaluated: 2018-07-02. Review status: criteria provided, single submitter. Criteria: Mendelics Assertion Criteria 2017. Collection method: clinical testing. Allele origin: unknown.

NM_002907.4(RECQL):c.1339T>C (p.Cys447Arg)

Gene: RECQL (RecQ like helicase; minus strand). Cytogenetic location: 12p12.1.
Variant type: single nucleotide variant.
Coding change: c.1339T>C on transcript NM_002907.4 (MANE Select); coding-DNA position 1339, T replaced by C.
Protein change: p.Cys447Arg; replaces cysteine 447 with arginine.
Molecular consequence: missense variant.
Genome position (GRCh38, 1-based): chr12:21,474,857, A>G on the plus strand (T>C on the coding strand, the complement: RECQL is on the minus strand). VCF-style: chr12-21474857-A-G. GRCh37 (hg19) VCF-style: chr12-21627791-A-G.
Other names: c.1339T>C (NM_002907.3); c.1339T>C, p.Cys447Arg (NM_032941.3); short protein forms C447R.
Identifiers: ClinVar variation 584808 (VCV000584808.7), dbSNP rs113415183, ClinGen allele CA233568599.